The following is an entry in ClinVar:

ClinVar aggregate classification (germline): Uncertain significance (1 of 4 stars; one submission).

Conditions:
Hereditary cancer-predisposing syndrome. Also called: Tumor predisposition; Neoplastic Syndromes, Hereditary; Hereditary neoplastic syndrome; Hereditary Cancer Syndrome. Identifiers: Orphanet 140162, MedGen C0027672, MeSH D009386, MONDO:0015356.

Submission:

Ambry Genetics
Classification: Uncertain significance for Hereditary cancer-predisposing syndrome. Last evaluated: 2024-11-25. Review status: criteria provided, single submitter. Criteria: Ambry Variant Classification Scheme 2023. Collection method: clinical testing. Allele origin: germline.
Comment: The p.Y160F variant (also known as c.479A>T), located in coding exon 4 of the SDHAF2 gene, results from an A to T substitution at nucleotide position 479. The tyrosine at codon 160 is replaced by phenylalanine, an amino acid with highly similar properties. This amino acid position is conserved. In addition, the in silico prediction for this alteration is inconclusive. Based on the available evidence, the clinical significance of this variant remains unclear.

NM_017841.4(SDHAF2):c.479A>T (p.Tyr160Phe)

Gene: SDHAF2 (succinate dehydrogenase complex assembly factor 2; plus strand). Cytogenetic location: 11q12.2.
Variant type: single nucleotide variant.
Coding change: c.479A>T on transcript NM_017841.4 (MANE Select); coding-DNA position 479, A replaced by T.
Protein change: p.Tyr160Phe; replaces tyrosine 160 with phenylalanine.
Molecular consequence: missense variant.
Genome position (GRCh38, 1-based): chr11:61,446,049, A>T. VCF-style: chr11-61446049-A-T. GRCh37 (hg19) VCF-style: chr11-61213521-A-T.
Other names: short protein forms Y160F.
Identifiers: ClinVar variation 3438741 (VCV003438741.1).